The following is an entry in ClinVar:

ClinVar aggregate classification (germline): Pathogenic/Likely pathogenic. Review status: criteria provided, multiple submitters, no conflicts (2 of 4 stars). 11 submissions from 11 submitters: Pathogenic (5); Likely pathogenic (5). 1 of the submissions does not count toward it. Last evaluated 2025-11-01.

Conditions:
ATP7B-related disorder. Also called: ATP7B-related condition.
Wilson disease (WND). Also called: Wilson's disease. Identifiers: Orphanet 905, MedGen C0019202, MONDO:0010200, OMIM 277900. Disease mechanism: loss of function.

Allele frequency attached by ClinVar (database versions not stated): gnomAD 0.00001; TOPMed 0.00002.
gnomAD v4.1: 9 of 1,612,894 alleles (0.00056%); highest among the groups gnomAD compares: Admixed American, 0.0017%; no homozygotes.

Submissions (11):

GeneDx
Classification: Likely pathogenic. Last evaluated: 2025-11-01. Review status: criteria provided, single submitter. Criteria: GeneDx Variant Classification Process June 2021. Collection method: clinical testing. Allele origin: germline.
Comment: Functional studies by RT-PCR analysis demonstrated the c.2122-8 T>G variant results in the prevalent production of a transcript with the in-frame deletion of exon 8 (PMID: 12325021); In silico analysis supports a deleterious effect on splicing; Not observed at significant frequency in large population cohorts (gnomAD); This variant is associated with the following publications: (PMID: 25525159, 18728530, 11076401, 20967755, 34400371, 12325021, 31172689, 35444691, 39113473)

Labcorp Genetics (formerly Invitae), Labcorp
Classification: Pathogenic for Wilson disease. Last evaluated: 2025-09-15. Review status: criteria provided, single submitter. Criteria: Invitae Variant Classification Sherloc (09022015). Collection method: clinical testing. Allele origin: germline.
Comment: This sequence change falls in intron 7 of the ATP7B gene. It does not directly change the encoded amino acid sequence of the ATP7B protein. RNA analysis indicates that this variant induces altered splicing and likely results in a shortened protein product. This variant is not present in population databases (gnomAD no frequency). This variant has been observed in individual(s) with Wilson disease (PMID: 12325021, 20967755, 31172689). ClinVar contains an entry for this variant (Variation ID: 35705). Studies have shown that this variant results in skipping of exon 8, but is expected to preserve the integrity of the reading-frame (PMID: 12325021). For these reasons, this variant has been classified as Pathogenic.

Color Diagnostics, LLC DBA Color Health
Classification: Likely pathogenic for Wilson disease. Last evaluated: 2025-06-23. Review status: criteria provided, single submitter. Criteria: ACMG Guidelines, 2015. Collection method: clinical testing. Allele origin: germline.
Comment: This variant causes a T to G nucleotide substitution at the -8 position of intron 7 of the ATP7B gene. This variant has been reported in individuals affected with Wilson disease (PMID: 12325021, 18728530, 20967755, 31172689, 34400371). In two of these affected individuals, this variant has been determined to be homozygous (PMID: 12325021) or compound heterozygous (PMID: 31172689) with another pathogenic variant in the same gene, indicating that this variant contributes to Wilson disease in an autosomal recessive manner. RT-PCR analysis of lymphocytes from an individual homozygous for this variant showed the predominant transcript had an in-frame deletion of exon 8 (PMID: 12325021). In the same study, RNA extracted from lymphocytes from a healthy control also produced a transcript with an in-frame deletion of exon 8, in addition to the full length transcript. These results have been replicated with a minigene assay (Wilson 2009, thesis, University of Alberta). To our knowledge, protein functional consequence of exon 8 deletion has not been investigated in the literature. However, exon 8 encodes transmembrane domains of the ATP7B protein, where many pathogenic missense variants have been reported. In summary, this variant has been shown to increase the proportion of an aberrant transcript with in-frame deletion of exon 8 that encodes a functionally important transmembrane domains and have been observed in individuals with Wilson disease. Based on the available evidence, this variant is classified as Likely Pathogenic.

Women's Health and Genetics/Laboratory Corporation of America, LabCorp
Classification: Pathogenic for Wilson disease. Last evaluated: 2025-06-02. Review status: criteria provided, single submitter. Criteria: LabCorp Variant Classification Summary - May 2015. Collection method: clinical testing. Allele origin: germline.
Comment: Variant summary: ATP7B c.2122-8T>G alters a nucleotide located at a position not widely known to affect splicing. However, several computational tools predict a significant impact on normal splicing: Three predict the variant weakens a 3' acceptor site, whereas one predicts the variant has no significant impact on splicing. At least one publication reports experimental evidence that this variant indeed affects mRNA splicing, resulting in the in-frame skipping of exon 8 (Loudianos_2002). This exon encompasses several pathogenic missense variants, suggesting this region is important for protein function. The variant was absent in 248506 control chromosomes. c.2122-8T>G has been observed in individual(s) affected with Wilson Disease (e.g. Loudianos_2002, Nicastro_2010, Li_2019, Couchonnal_2021). These data indicate that the variant is likely to be associated with disease. The following publications have been ascertained in the context of this evaluation (PMID: 34400371, 31172689, 12325021, 20967755, 18728530). ClinVar contains an entry for this variant (Variation ID: 35705). Based on the evidence outlined above, the variant was classified as pathogenic.

All of Us Research Program, National Institutes of Health
Classification: Likely pathogenic for Wilson disease. Last evaluated: 2024-09-27. Review status: criteria provided, single submitter. Criteria: ACMG Guidelines, 2015. Collection method: clinical testing. Allele origin: germline. Inheritance: Autosomal recessive inheritance. Observed: 7 variant alleles, 7 heterozygotes.
Comment: This variant causes a T to G nucleotide substitution at the -8 position of intron 7 of the ATP7B gene. This variant has been reported in individuals affected with Wilson disease (PMID: 12325021, 18728530, 20967755, 31172689, 34400371). In two of these affected individuals, this variant has been determined to be homozygous (PMID: 12325021) or compound heterozygous (PMID: 31172689) with another pathogenic variant in the same gene, indicating that this variant contributes to Wilson disease in an autosomal recessive manner. RT-PCR analysis of lymphocytes from an individual homozygous for this variant showed the predominant transcript had an in-frame deletion of exon 8 (PMID: 12325021). In the same study, RNA extracted from lymphocytes from a healthy control also produced a transcript with an in-frame deletion of exon 8, in addition to the full length transcript. These results have been replicated with a minigene assay (Wilson 2009, thesis, University of Alberta). To our knowledge, protein functional consequence of exon 8 deletion has not been investigated in the literature. However, exon 8 encodes transmembrane domains of the ATP7B protein, where many pathogenic missense variants have been reported. In summary, this variant has been shown to increase the proportion of an aberrant transcript with in-frame deletion of exon 8 that encodes a functionally important transmembrane domains and have been observed in individuals with Wilson disease. Based on the available evidence, this variant is classified as Likely Pathogenic.

This study involves interpretation of variants in research participants for the purpose of population health screening. Participant phenotype was not available at the time of variant classification. Additional details can be found in publication PMID: 35346344, PMCID: PMC8962531

Revvity Omics, Revvity
Classification: Likely pathogenic for Wilson disease. Last evaluated: 2024-07-12. Review status: criteria provided, single submitter. Criteria: ACMG Guidelines, 2015. Collection method: clinical testing. Allele origin: germline.

Baylor Genetics
Classification: Pathogenic for Wilson disease. Last evaluated: 2024-03-03. Review status: criteria provided, single submitter. Criteria: ACMG Guidelines, 2015. Collection method: clinical testing. Allele origin: unknown.

Mayo Clinic Laboratories, Mayo Clinic
Classification: Pathogenic. Last evaluated: 2020-11-12. Review status: criteria provided, single submitter. Criteria: ACMG Guidelines, 2015. Collection method: clinical testing. Allele origin: germline. Observed: 1 variant allele.
Comment: PVS1_strong, PS4_moderate, PM2, PM3

Laboratory for Molecular Medicine, Mass General Brigham Personalized Medicine
Classification: Likely pathogenic for Wilson disease. Last evaluated: 2020-06-11. Review status: criteria provided, single submitter. Criteria: ACMG Guidelines, 2015. Collection method: clinical testing. Allele origin: germline.
Comment: The c.2122-8T>G variant in ATP7B has been previously reported in three individuals with Wilson disease, including one homozygous individual and one individual who had a second uncertain ATP7B variant (Loudianos 2002, Nicastro 2010, Zappu 2008). This variant was absent from large population studies. An RT-PCR study performed on leukocytes from an individual homozygous for the variant indicated skipping of exon 8 (Loudianos 2002). While there is at least 1 transcript in GTEX that does not include exon 8, there are multiple pathogenic variants in this exon which suggests that this region may be important for protein function. In summary, although additional studies are required to fully establish its clinical significance, this variant meets criteria to be classified as likely pathogenic for autosomal recessive Wilson disease. ACMG/AMP criteria applied: PM2, PM4, PP4, PS3_Supporting, PM3_Supporting.

Genetic Services Laboratory, University of Chicago
Classification: Pathogenic for Wilson disease. Last evaluated: 2013-02-08. Review status: criteria provided, single submitter. Criteria: ACMG Guidelines, 2007. Collection method: clinical testing. Allele origin: germline. Inheritance: Autosomal recessive inheritance. Affected: yes.

PreventionGenetics, part of Exact Sciences
Classification: Likely pathogenic for ATP7B-related condition. Last evaluated: 2024-03-25. Review status: no assertion criteria provided. Collection method: clinical testing. Allele origin: germline. Not counted in ClinVar's aggregate classification.
Comment: The ATP7B c.2122-8T>G variant is predicted to interfere with splicing. This variant has been reported in the homozygous and compound heterozygous state in multiple individuals with Wilson disease (Loudianos et al 2002. PubMed ID: 12325021; Nicastro E et al 2010. PubMed ID: 20967755; Li X et al 2019. PubMed ID: 31172689; Couchonnal E et al 2021. PubMed ID: 34400371). Functional studies using RT-PCR analysis showed that this variant may either result in a in frame deletion of exon 8 or activate a cryptic splice site that leads to a frameshift and truncated protein (Loudianos et al 2002. PubMed ID: 12325021). This variant has not been reported in a large population database, indicating this variant is rare. This variant is interpreted as likely pathogenic.

Literature cited by the submitters: PubMed 12325021 (cited by 6 submitters); PubMed 20967755 (cited by 6 submitters); PubMed 31172689 (cited by 5 submitters); PubMed 18728530 (cited by 4 submitters); PubMed 34400371 (cited by 3 submitters); PubMed 25525159 (cited by Mayo Clinic Laboratories, Mayo Clinic).

NM_000053.4(ATP7B):c.2122-8T>G

Gene: ATP7B (ATPase copper transporting beta; minus strand). Cytogenetic location: 13q14.3.
Variant type: single nucleotide variant.
Coding change: c.2122-8T>G on transcript NM_000053.4 (MANE Select); 8 bases into the intron before coding-DNA position 2122, T replaced by G.
Molecular consequence: intron variant.
Genome position (GRCh38, 1-based): chr13:51,958,552, A>C on the plus strand (T>G on the coding strand, the complement: ATP7B is on the minus strand). VCF-style: chr13-51958552-A-C. GRCh37 (hg19) VCF-style: chr13-52532688-A-C.
Other names: c.1789-8T>G (NM_001243182.2); c.1870-945T>G (NM_001005918.3); c.1870-8T>G (NM_001330579.2); c.2122-945T>G (NM_001330578.2).
Identifiers: ClinVar variation 35705 (VCV000035705.31), dbSNP rs193922102, ClinGen allele CA260131.